The following is an entry in ClinVar:

NM_002335.4(LRP5):c.2827+2T>C

Gene: LRP5 (LDL receptor related protein 5; plus strand). Cytogenetic location: 11q13.2.
Variant type: single nucleotide variant.
Coding change: c.2827+2T>C on transcript NM_002335.4 (MANE Select); the canonical splice donor site of the intron after coding-DNA position 2827, T replaced by C.
Molecular consequence: splice donor variant.
Genome position (GRCh38, 1-based): chr11:68,414,014, T>C. VCF-style: chr11-68414014-T-C. GRCh37 (hg19) VCF-style: chr11-68181482-T-C.
Other names: c.1084+2T>C (NM_001291902.2).
Identifiers: ClinVar variation 4715520 (VCV004715520.1).

ClinVar aggregate classification (germline): Likely pathogenic (1 of 4 stars; one submission).

Submission:

Labcorp Genetics (formerly Invitae), Labcorp
Classification: Likely pathogenic. Last evaluated: 2025-03-19. Review status: criteria provided, single submitter. Criteria: Invitae Variant Classification Sherloc (09022015). Collection method: clinical testing. Allele origin: germline.
Comment: This sequence change affects a donor splice site in intron 12 of the LRP5 gene. It is expected to disrupt RNA splicing. Variants that disrupt the donor or acceptor splice site typically lead to a loss of protein function (PMID: 16199547), and loss-of-function variants in LRP5 are known to be pathogenic (PMID: 11719191, 16252235, 25711638). This variant is not present in population databases (gnomAD no frequency). This variant has not been reported in the literature in individuals affected with LRP5-related conditions. Algorithms developed to predict the effect of sequence changes on RNA splicing suggest that this variant may disrupt the consensus splice site. In summary, the currently available evidence indicates that the variant is pathogenic, but additional data are needed to prove that conclusively. Therefore, this variant has been classified as Likely Pathogenic.

Literature cited by the submitters: PubMed 16199547; PubMed 11719191; PubMed 16252235; PubMed 25711638.